The following is an entry in ClinVar:

ClinVar aggregate classification (germline): Likely pathogenic (1 of 4 stars; one submission).

Conditions:
Odonto-onycho-dermal dysplasia. Identifiers: Orphanet 2721, MedGen C0796093, MONDO:0009773, OMIM 257980.
Tooth agenesis, selective, 4 (STHAG4). Also called: LATERAL INCISORS, ABSENCE OF; LATERAL INCISORS, PEGGED OR MISSING; SUCCEDANEOUS TEETH, AGENESIS OF; TOOTH AGENESIS, SELECTIVE, 4, WITH OR WITHOUT ECTODERMAL DYSPLASIA. Identifiers: Orphanet 99798, MedGen C1835492, MONDO:0007881, OMIM 150400. Disease mechanism: loss of function.

Submission:

Labcorp Genetics (formerly Invitae), Labcorp
Classification: Likely pathogenic for Tooth agenesis, selective, 4; Odonto-onycho-dermal dysplasia. Last evaluated: 2024-01-29. Review status: criteria provided, single submitter. Criteria: Invitae Variant Classification Sherloc (09022015). Collection method: clinical testing. Allele origin: germline.
Comment: This sequence change affects the initiator methionine of the WNT10A mRNA. The next in-frame methionine is located at codon 36. This variant is present in population databases (rs746813123, gnomAD 0.02%). Disruption of the initiator codon has been observed in individual(s) with clinical features of autosomal recessive ectodermal dysplasia (PMID: 23401279). In at least one individual the data is consistent with being in trans (on the opposite chromosome) from a pathogenic variant. ClinVar contains an entry for this variant (Variation ID: 1067133). This variant disrupts a region of the WNT10A protein in which other variant(s) (p.Leu29Arg) have been observed in individuals with WNT10A-related conditions (PMID: 23401279). This suggests that this is a clinically significant region of the protein, and that variants that disrupt it are likely to be disease-causing. In summary, the currently available evidence indicates that the variant is pathogenic, but additional data are needed to prove that conclusively. Therefore, this variant has been classified as Likely Pathogenic.

Literature cited by the submitters: PubMed 23401279.

NM_025216.3(WNT10A):c.-17_13del (p.Met1_His5del)

Gene: WNT10A (Wnt family member 10A; plus strand). Cytogenetic location: 2q35.
Variant type: Deletion.
Coding change: c.-17_13del on transcript NM_025216.3 (MANE Select); 17 bases upstream of the start codon through coding-DNA position 13, 30 bases deleted (GTCAGGGCCTGCGCGCCATGGGCAGCGCCC).
Protein change: p.Met1_His5del.
Molecular consequence: inframe deletion, initiator codon variant.
Genome position (GRCh38, 1-based): chr2:218,880,979-218,881,008, GTCAGGGCCTGCGCGCCATGGGCAGCGCCC deleted; deleting any 30 consecutive bases within chr2:218,880,975-218,881,008 gives the same sequence; the c. name uses the placement nearest the transcript's 3' end. VCF-style (leftmost placement, unchanged base first): chr2-218880974-AGCCCGTCAGGGCCTGCGCGCCATGGGCAGC-A. GRCh37 (hg19) VCF-style: chr2-219745696-AGCCCGTCAGGGCCTGCGCGCCATGGGCAGC-A.
Identifiers: ClinVar variation 1067133 (VCV001067133.8), dbSNP rs746813123, ClinGen allele CA2113798.